The following is an entry in ClinVar:

ClinVar aggregate classification (germline): Benign. Review status: criteria provided, multiple submitters, no conflicts (2 of 4 stars). 3 submissions from 3 submitters: Benign (3). Last evaluated 2024-01-24.

Allele frequency attached by ClinVar (database versions not stated): ESP Exome Variant Server 0.00908; gnomAD exomes 0.01532 and 0.02756; gnomAD 0.01867 and 0.01877; ExAC 0.02205; 1000 Genomes Project 0.02236; 1000 Genomes Project 30x 0.02452; TOPMed 0.02733.
gnomAD v4.1: 24,671 of 1,587,132 alleles (1.6%); highest among the groups gnomAD compares: Admixed American, 14%; 786 homozygotes.

Submissions (3):

Unidad de Genómica Garrahan, Hospital de Pediatría Garrahan
Classification: Benign. Last evaluated: 2024-01-24. Review status: criteria provided, single submitter. Criteria: ACMG Guidelines, 2015. Collection method: clinical testing. Allele origin: germline. Affected: no. Observed: 24 variant alleles.
Comment: This variant is classified as Benign based on local population frequency. This variant was detected in 25% of patients studied by a panel of primary immunodeficiencies. Number of patients: 24. Only high quality variants are reported.

GeneDx
Classification: Benign. Last evaluated: 2018-07-27. Review status: criteria provided, single submitter. Criteria: GeneDx Variant Classification Process June 2021. Collection method: clinical testing. Allele origin: germline. Affected: yes.

Breakthrough Genomics
Classification: Benign. Review status: criteria provided, single submitter. Criteria: ACMG Guidelines, 2015. Collection method: not provided. Allele origin: germline. Inheritance: Autosomal dominant inheritance. Affected: yes.

NM_001197104.2(KMT2A):c.11644-46G>A

Genes: KMT2A (lysine methyltransferase 2A; plus strand), TTC36-AS1 (TTC36 and KMT2A antisense RNA 1; minus strand). Cytogenetic location: 11q23.3.
Variant type: single nucleotide variant.
Coding change: c.11644-46G>A on transcript NM_001197104.2 (MANE Select); 46 bases into the intron before coding-DNA position 11644, G replaced by A.
Molecular consequence: intron variant.
Genome position (GRCh38, 1-based): chr11:118,521,851, G>A. VCF-style: chr11-118521851-G-A. GRCh37 (hg19) VCF-style: chr11-118392566-G-A.
Other names: c.11635-46G>A (NM_005933.4).
Identifiers: ClinVar variation 1288979 (VCV001288979.4), dbSNP rs9332865, ClinGen allele CA6305012.